The following is an entry in ClinVar:

NM_024596.5(MCPH1):c.2256C>T (p.Arg752=)

Genes: MCPH1 (microcephalin 1; plus strand), MCPH1-AS1 (MCPH1 antisense RNA 1; minus strand). Cytogenetic location: 8p23.1.
Variant type: single nucleotide variant.
Coding change: c.2256C>T on transcript NM_024596.5 (MANE Select); coding-DNA position 2256, C replaced by T.
Protein change: p.Arg752=; no amino-acid change (arginine 752 retained).
Molecular consequence: synonymous variant. On other transcripts: non-coding transcript variant (1).
Genome position (GRCh38, 1-based): chr8:6,621,495, C>T. VCF-style: chr8-6621495-C-T. GRCh37 (hg19) VCF-style: chr8-6479016-C-T.
Other names: c.2256C>T, p.Arg752= (NM_001322042.2, NM_001363979.1); c.1977C>T, p.Arg659= (NM_001363980.2); c.2256C>T (NM_001322042.1).
Identifiers: ClinVar variation 158846 (VCV000158846.30), dbSNP rs35999761, ClinGen allele CA271698.
Genomic context (GRCh38, chr8:6,621,495, plus strand): 5'-ATCTCTGTCTGCCCCACAGCTGTGCCGAAGCGAGTGCCACTTGTCTGCAGGGCCGTACCG[C>T]GGAACCCTCTTTGCCGACCAGCCAGCGATGTTTGTCTCGCCTGCCAGCAGCCCCCCAGTG-3'
Protein context (NP_078872.3, residues 742-762): SECHLSAGPY[Arg752=]GTLFADQPAM

ClinVar aggregate classification (germline): Benign/Likely benign. Review status: criteria provided, multiple submitters, no conflicts (2 of 4 stars). 7 submissions from 7 submitters: Benign (1); Likely benign (5). 1 of the submissions does not count toward it. Last evaluated 2026-01-30.

Conditions:
MCPH1-related disorder. Also called: MCPH1-related condition.

Allele frequency attached by ClinVar (database versions not stated): 1000 Genomes Project 0.00140; TOPMed 0.00161; 1000 Genomes Project 30x 0.00187; ESP Exome Variant Server 0.00299.
gnomAD v4.1: 435 of 1,614,146 alleles (0.027%); highest among the groups gnomAD compares: African/African-American, 0.44%; no homozygotes.

Submissions (7):

Labcorp Genetics (formerly Invitae), Labcorp
Classification: Benign. Last evaluated: 2026-01-30. Review status: criteria provided, single submitter. Criteria: Invitae Variant Classification Sherloc (09022015). Collection method: clinical testing. Allele origin: germline.

CeGaT Center for Human Genetics Tuebingen
Classification: Likely benign. Last evaluated: 2025-03-01. Review status: criteria provided, single submitter. Criteria: CeGaT Center For Human Genetics Tuebingen Variant Classification Criteria Version 2. Collection method: clinical testing. Allele origin: germline. Affected: yes. Observed: 1 variant allele.
Comment: MCPH1: BP4, BP7

Blueprint Genetics
Classification: Likely benign. Last evaluated: 2024-10-21. Review status: criteria provided, single submitter. Criteria: ACMG Guidelines, 2015. Collection method: clinical testing. Allele origin: germline.

GeneDx
Classification: Likely benign. Last evaluated: 2021-09-18. Review status: criteria provided, single submitter. Criteria: GeneDx Variant Classification Process June 2021. Collection method: clinical testing. Allele origin: germline. Affected: yes.
Comment: See Variant Classification Assertion Criteria.

Eurofins Ntd Llc (ga)
Classification: Likely benign. Last evaluated: 2017-05-08. Review status: criteria provided, single submitter. Criteria: EGL Classification Definitions 2015. Collection method: clinical testing. Allele origin: germline. Observed: 1 variant allele, 1 heterozygote.

Genetic Services Laboratory, University of Chicago
Classification: Likely benign. Last evaluated: 2016-10-20. Review status: criteria provided, single submitter. Criteria: ACMG Guidelines, 2015. Collection method: clinical testing. Allele origin: germline. Affected: no.

PreventionGenetics, part of Exact Sciences
Classification: Likely benign for MCPH1-related condition. Last evaluated: 2019-03-26. Review status: no assertion criteria provided. Collection method: clinical testing. Allele origin: germline. Not counted in ClinVar's aggregate classification.
Comment: This variant is classified as likely benign based on ACMG/AMP sequence variant interpretation guidelines (Richards et al. 2015 PMID: 25741868, with internal and published modifications).